The following is an entry in ClinVar:

NM_000245.4(MET):c.1183G>A (p.Glu395Lys)

Gene: MET (MET proto-oncogene, receptor tyrosine kinase; plus strand). Cytogenetic location: 7q31.2.
Variant type: single nucleotide variant.
Coding change: c.1183G>A on transcript NM_000245.4 (MANE Select); coding-DNA position 1183, G replaced by A.
Protein change: p.Glu395Lys; replaces glutamic acid 395 with lysine.
Molecular consequence: missense variant. On other transcripts: intron variant (1).
Genome position (GRCh38, 1-based): chr7:116,700,267, G>A. VCF-style: chr7-116700267-G-A. GRCh37 (hg19) VCF-style: chr7-116340321-G-A.
Other names: c.1183G>A, p.Glu395Lys (NM_001127500.3, NM_001324401.3); c.-91+27690G>A (NM_001324402.2); short protein forms E395K.
Identifiers: ClinVar variation 941796 (VCV000941796.10), dbSNP rs778469367, ClinGen allele CA4448082.
Genomic context (GRCh38, chr7:116,700,267, plus strand): 5'-AACAAGATCGTCAACAAAAACAATGTGAGATGTCTCCAGCATTTTTACGGACCCAATCAT[G>A]AGCACTGCTTTAATAGGGTAAGTCACATCAGTTCCCCACTTATAAACTGTGAGGTATAAA-3'
Protein context (NP_000236.2, residues 385-405): CLQHFYGPNH[Glu395Lys]HCFNRTLLRN

ClinVar aggregate classification (germline): Conflicting classifications of pathogenicity. Review status: criteria provided, conflicting classifications (1 of 4 stars). 2 submissions from 2 submitters: Uncertain significance (1); Likely benign (1). Last evaluated 2025-11-25.

Conditions:
Hereditary cancer-predisposing syndrome. Also called: Hereditary neoplastic syndrome; Neoplastic Syndromes, Hereditary; Tumor predisposition; Hereditary Cancer Syndrome. Identifiers: Orphanet 140162, MedGen C0027672, MeSH D009386, MONDO:0015356.
Renal cell carcinoma. Identifiers: Orphanet 217071, MedGen C0007134, MeSH D002292, MONDO:0005086, HP:0005584.

Allele frequency attached by ClinVar (database versions not stated): gnomAD exomes below 0.00001 and 0.00001; ExAC 0.00002.
gnomAD v4.1: 6 of 1,603,256 alleles (0.00037%); highest among the groups gnomAD compares: Admixed American, 0.0034%; no homozygotes.

Submissions (2):

Labcorp Genetics (formerly Invitae), Labcorp
Classification: Uncertain significance for Renal cell carcinoma. Last evaluated: 2025-11-25. Review status: criteria provided, single submitter. Criteria: Invitae Variant Classification Sherloc (09022015). Collection method: clinical testing. Allele origin: germline.
Comment: This sequence change replaces glutamic acid, which is acidic and polar, with lysine, which is basic and polar, at codon 395 of the MET protein (p.Glu395Lys). This variant is present in population databases (rs778469367, gnomAD 0.006%). This variant has not been reported in the literature in individuals affected with MET-related conditions. ClinVar contains an entry for this variant (Variation ID: 941796). An algorithm developed to predict the effect of missense changes on protein structure and function outputs the following: PolyPhen-2: "Benign". The lysine amino acid residue is found in multiple mammalian species, which suggests that this missense change does not adversely affect protein function. In summary, the available evidence is currently insufficient to determine the role of this variant in disease. Therefore, it has been classified as a Variant of Uncertain Significance.

Ambry Genetics
Classification: Likely benign for Hereditary cancer-predisposing syndrome. Last evaluated: 2024-07-02. Review status: criteria provided, single submitter. Criteria: Ambry Variant Classification Scheme 2023. Collection method: clinical testing. Allele origin: germline.